The following is an entry in ClinVar:

ClinVar aggregate classification (germline): Uncertain significance (1 of 4 stars; one submission).

Conditions:
Neurofibromatosis, type 1 (NF1). Also called: VON RECKLINGHAUSEN DISEASE; NEUROFIBROMATOSIS, TYPE I, SOMATIC; Peripheral type neurofibromatosis; Neurofibromatosis, type I. Identifiers: Orphanet 636, MedGen C0027831, MONDO:0018975, OMIM 162200. Disease mechanism: loss of function.

Submission:

Labcorp Genetics (formerly Invitae), Labcorp
Classification: Uncertain significance for Neurofibromatosis, type 1. Last evaluated: 2023-06-02. Review status: criteria provided, single submitter. Criteria: Invitae Variant Classification Sherloc (09022015). Collection method: clinical testing. Allele origin: germline.
Comment: This sequence change falls in intron 27 of the NF1 gene. It does not directly change the encoded amino acid sequence of the NF1 protein. It affects a nucleotide within the consensus splice site. In summary, the available evidence is currently insufficient to determine the role of this variant in disease. Therefore, it has been classified as a Variant of Uncertain Significance. Variants that disrupt the consensus splice site are a relatively common cause of aberrant splicing (PMID: 17576681, 9536098). Algorithms developed to predict the effect of sequence changes on RNA splicing suggest that this variant is not likely to affect RNA splicing. ClinVar contains an entry for this variant (Variation ID: 457662). This variant has not been reported in the literature in individuals affected with NF1-related conditions. This variant is not present in population databases (gnomAD no frequency).

Literature cited by the submitters: PubMed 17576681; PubMed 9536098.

NM_001042492.3(NF1):c.3709-3C>A

Gene: NF1 (neurofibromin 1; plus strand). Cytogenetic location: 17q11.2.
Variant type: single nucleotide variant.
Coding change: c.3709-3C>A on transcript NM_001042492.3 (MANE Select); 3 bases into the intron before coding-DNA position 3709, C replaced by A.
Molecular consequence: intron variant.
Genome position (GRCh38, 1-based): chr17:31,235,608, C>A. VCF-style: chr17-31235608-C-A. GRCh37 (hg19) VCF-style: chr17-29562626-C-A.
Other names: c.3709-3C>A (NM_000267.4).
Identifiers: ClinVar variation 457662 (VCV000457662.5), dbSNP rs1555615430, ClinGen allele CA658656591.